The following is an entry in ClinVar:

ClinVar aggregate classification (germline): Uncertain significance (1 of 4 stars; one submission).

Submission:

Labcorp Genetics (formerly Invitae), Labcorp
Classification: Uncertain significance. Last evaluated: 2025-01-14. Review status: criteria provided, single submitter. Criteria: Invitae Variant Classification Sherloc (09022015). Collection method: clinical testing. Allele origin: germline.
Comment: This sequence change replaces proline, which is neutral and non-polar, with alanine, which is neutral and non-polar, at codon 281 of the LRP5 protein (p.Pro281Ala). This variant is not present in population databases (gnomAD no frequency). This variant has not been reported in the literature in individuals affected with LRP5-related conditions. ClinVar contains an entry for this variant (Variation ID: 1512535). Invitae Evidence Modeling of protein sequence and biophysical properties (such as structural, functional, and spatial information, amino acid conservation, physicochemical variation, residue mobility, and thermodynamic stability) indicates that this missense variant is expected to disrupt LRP5 protein function with a positive predictive value of 95%. In summary, the available evidence is currently insufficient to determine the role of this variant in disease. Therefore, it has been classified as a Variant of Uncertain Significance.

NM_002335.4(LRP5):c.841C>G (p.Pro281Ala)

Gene: LRP5 (LDL receptor related protein 5; plus strand). Cytogenetic location: 11q13.2.
Variant type: single nucleotide variant.
Coding change: c.841C>G on transcript NM_002335.4 (MANE Select); coding-DNA position 841, C replaced by G.
Protein change: p.Pro281Ala; replaces proline 281 with alanine.
Molecular consequence: missense variant. On other transcripts: 5 prime UTR variant (1).
Genome position (GRCh38, 1-based): chr11:68,363,901, C>G. VCF-style: chr11-68363901-C-G. GRCh37 (hg19) VCF-style: chr11-68131369-C-G.
Other names: c.-925C>G (NM_001291902.2); short protein forms P281A.
Identifiers: ClinVar variation 1512535 (VCV001512535.8), dbSNP rs2153139511, ClinGen allele CA381611228.